The following is an entry in ClinVar:

NM_182961.4(SYNE1):c.26002-4A>G

Gene: SYNE1 (spectrin repeat containing nuclear envelope protein 1; minus strand). Cytogenetic location: 6q25.2.
Variant type: single nucleotide variant.
Coding change: c.26002-4A>G on transcript NM_182961.4 (MANE Select); 4 bases into the intron before coding-DNA position 26002, A replaced by G.
Molecular consequence: intron variant.
Genome position (GRCh38, 1-based): chr6:152,132,218, T>C on the plus strand (A>G on the coding strand, the complement: SYNE1 is on the minus strand). VCF-style: chr6-152132218-T-C. GRCh37 (hg19) VCF-style: chr6-152453353-T-C.
Other names: p.?; c.25858-4A>G (NM_033071.5); c.2608-4A>G (NM_001347701.2); c.2536-4A>G (NM_001347702.2).
Identifiers: ClinVar variation 130432 (VCV000130432.25), dbSNP rs77220999, ClinGen allele CA155442.

ClinVar aggregate classification (germline): Benign/Likely benign. Review status: criteria provided, multiple submitters, no conflicts (2 of 4 stars). 9 submissions from 8 submitters: Benign (6); Likely benign (1). 2 of the submissions do not count toward it. Last evaluated 2026-01-24.

Conditions:
SYNE1-related disorder. Also called: SYNE1-related disease; SYNE1-related condition; SYNE1-related disorders.
Emery-Dreifuss muscular dystrophy 4, autosomal dominant (EDMD4). Also called: EMERY-DREIFUSS MUSCULAR DYSTROPHY 4 WITH VARIABLE FEATURES. Identifiers: Orphanet 261, MedGen C2751807, MONDO:0013071, OMIM 612998.
Autosomal recessive ataxia, Beauce type. Also called: SYNE1-Related Autosomal Recessive Cerebellar Ataxia; ATAXIA, RECESSIVE, OF BEAUCE; Spinocerebellar ataxia, autosomal recessive 8; SYNE1 Deficiency. Identifiers: Orphanet 88644, MedGen C1853116, MONDO:0012549, OMIM 610743.

Allele frequency attached by ClinVar (database versions not stated): ExAC 0.00806; gnomAD 0.02717 and 0.02512; 1000 Genomes Project 30x 0.02764; 1000 Genomes Project 0.02536; ESP Exome Variant Server 0.02891; gnomAD exomes 0.00662; TOPMed 0.02866.
gnomAD v4.1: 7,733 of 1,613,944 alleles (0.48%); highest among the groups gnomAD compares: African/African-American, 8.8%; 304 homozygotes.

Submissions (9):

Labcorp Genetics (formerly Invitae), Labcorp
Classification: Benign for Emery-Dreifuss muscular dystrophy 4, autosomal dominant; Autosomal recessive ataxia, Beauce type. Last evaluated: 2026-01-24. Review status: criteria provided, single submitter. Criteria: Invitae Variant Classification Sherloc (09022015). Collection method: clinical testing. Allele origin: germline.

Athena Diagnostics
Classification: Benign. Last evaluated: 2019-04-23. Review status: criteria provided, single submitter. Criteria: Athena Diagnostics Criteria. Collection method: clinical testing. Allele origin: germline.

Mayo Clinic Laboratories, Mayo Clinic
Classification: Benign. Last evaluated: 2018-05-09. Review status: criteria provided, single submitter. Criteria: ACMG Guidelines, 2015. Collection method: clinical testing. Allele origin: germline. Observed: 22 variant alleles.

Illumina Laboratory Services, Illumina
Classification: Benign for Autosomal recessive ataxia, Beauce type. Last evaluated: 2018-01-13. Review status: criteria provided, single submitter. Criteria: ICSL Variant Classification Criteria 13 December 2019. Collection method: clinical testing. Allele origin: germline.
Comment: This variant was observed in the ICSL laboratory as part of a predisposition screen in an ostensibly healthy population. It had not been previously curated by ICSL or reported in the Human Gene Mutation Database (HGMD: prior to June 1st, 2018), and was therefore a candidate for classification through an automated scoring system. Utilizing variant allele frequency, disease prevalence and penetrance estimates, and inheritance mode, an automated score was calculated to assess if this variant is too frequent to cause the disease. Based on the score and internal cut-off values, a variant classified as benign is not then subjected to further curation. The score for this variant resulted in a classification of benign for this disease.

Illumina Laboratory Services, Illumina
Classification: Benign for Emery-Dreifuss muscular dystrophy 4, autosomal dominant. Last evaluated: 2018-01-13. Review status: criteria provided, single submitter. Criteria: ICSL Variant Classification Criteria 13 December 2019. Collection method: clinical testing. Allele origin: germline.
Comment: the same text as in the submission from Illumina Laboratory Services, Illumina above.

GeneDx
Classification: Benign. Last evaluated: 2016-03-29. Review status: criteria provided, single submitter. Criteria: GeneDx Variant Classification (06012015). Collection method: clinical testing. Allele origin: germline. Affected: yes.
Comment: This variant is considered likely benign or benign based on one or more of the following criteria: it is a conservative change, it occurs at a poorly conserved position in the protein, it is predicted to be benign by multiple in silico algorithms, and/or has population frequency not consistent with disease.

Breakthrough Genomics
Classification: Likely benign. Review status: criteria provided, single submitter. Criteria: ACMG Guidelines, 2015. Collection method: not provided. Allele origin: germline. Inheritance: Autosomal recessive inheritance. Affected: yes.

PreventionGenetics, part of Exact Sciences
Classification: Benign for SYNE1-related condition. Last evaluated: 2022-02-04. Review status: no assertion criteria provided. Collection method: clinical testing. Allele origin: germline. Not counted in ClinVar's aggregate classification.
Comment: This variant is classified as benign based on ACMG/AMP sequence variant interpretation guidelines (Richards et al. 2015 PMID: 25741868, with internal and published modifications).

Genetic Services Laboratory, University of Chicago
Classification: Likely benign for AllHighlyPenetrant. Review status: no assertion criteria provided. Collection method: clinical testing. Allele origin: germline. Inheritance: Autosomal dominant inheritance. Not counted in ClinVar's aggregate classification.
Comment: Likely benign based on allele frequency in 1000 Genomes Project or ESP global frequency and its presence in a patient with a rare or unrelated disease phenotype. NOT Sanger confirmed.